The following is an entry in ClinVar:

ClinVar aggregate classification (germline): Uncertain significance. Review status: criteria provided, multiple submitters, no conflicts (2 of 4 stars). 2 submissions from 2 submitters: Uncertain significance (2). Last evaluated 2023-02-23.

Allele frequency attached by ClinVar (database versions not stated): TOPMed below 0.00001; gnomAD 0.00001; gnomAD exomes 0.00001.
gnomAD v4.1: 12 of 1,606,414 alleles (0.00075%); highest among the groups gnomAD compares: South Asian, 0.01%; no homozygotes.

Submissions (2):

Ambry Genetics
Classification: Uncertain significance. Last evaluated: 2023-02-23. Review status: criteria provided, single submitter. Criteria: Ambry Variant Classification Scheme 2023. Collection method: clinical testing. Allele origin: germline.

Labcorp Genetics (formerly Invitae), Labcorp
Classification: Uncertain significance. Last evaluated: 2023-02-16. Review status: criteria provided, single submitter. Criteria: Invitae Variant Classification Sherloc (09022015). Collection method: clinical testing. Allele origin: germline.
Comment: This sequence change replaces lysine, which is basic and polar, with glutamic acid, which is acidic and polar, at codon 1303 of the TOP2B protein (p.Lys1303Glu). This variant is present in population databases (no rsID available, gnomAD 0.007%). This variant has not been reported in the literature in individuals affected with TOP2B-related conditions. An algorithm developed to predict the effect of missense changes on protein structure and function (PolyPhen-2) suggests that this variant is likely to be tolerated. In summary, the available evidence is currently insufficient to determine the role of this variant in disease. Therefore, it has been classified as a Variant of Uncertain Significance.

NM_001330700.2(TOP2B):c.3922A>G (p.Lys1308Glu)

Gene: TOP2B (DNA topoisomerase II beta; minus strand). Cytogenetic location: 3p24.2.
Variant type: single nucleotide variant.
Coding change: c.3922A>G on transcript NM_001330700.2 (MANE Select); coding-DNA position 3922, A replaced by G.
Protein change: p.Lys1308Glu; replaces lysine 1308 with glutamic acid.
Molecular consequence: missense variant.
Genome position (GRCh38, 1-based): chr3:25,609,577, T>C on the plus strand (A>G on the coding strand, the complement: TOP2B is on the minus strand). VCF-style: chr3-25609577-T-C. GRCh37 (hg19) VCF-style: chr3-25651068-T-C.
Other names: c.3907A>G, p.Lys1303Glu (NM_001068.3); c.3907A>G (NM_001068.2); short protein forms K1303E, K1308E.
Identifiers: ClinVar variation 1933466 (VCV001933466.7), dbSNP rs1398451866, ClinGen allele CA351894069.
Genomic context (GRCh38, chr3:25,609,577, plus strand): 5'-ATACAAATATTTTTTCTCTCACACACATGCAAAACTATAATCATTTCTCACCAGGCTCCT[T>C]CTTCTCCCTCTTAGGTTTGGGACCTTTATTTATAGGAACTGATGGAGTCAATGCCTCTTC-3'
Protein context (NP_001317629.1, residues 1298-1318): NKGPKPKREK[Lys1308Glu]EPGTRVRKTP